The following is an entry in ClinVar:

NM_172107.4(KCNQ2):c.1006_1009dup (p.Ala337fs)

Gene: KCNQ2 (potassium voltage-gated channel subfamily Q member 2; minus strand). Cytogenetic location: 20q13.33.
Variant type: Duplication.
Coding change: c.1006_1009dup on transcript NM_172107.4 (MANE Select); coding-DNA positions 1006 to 1009, 4 bases duplicated (GCAG; older notation c.1006_1009dupGCAG).
Protein change: p.Ala337fs; shifts the reading frame from alanine 337.
Molecular consequence: frameshift variant.
Genome position (GRCh38, 1-based): chr20:63,438,639-63,438,642, CTGC duplicated on the plus strand (GCAG on the coding strand, the reverse complement: KCNQ2 is on the minus strand); duplicating any 4 consecutive bases within chr20:63,438,639-63,438,643 gives the same sequence; the c. name uses the placement nearest the transcript's 3' end. VCF-style (leftmost placement, unchanged base first): chr20-63438638-G-GCTGC. GRCh37 (hg19) VCF-style: chr20-62069991-G-GCTGC.
Other names: c.1006_1009dup, p.Ala337fs (NM_001382235.1, NM_004518.6, NM_172106.3 and 2 more transcripts); short protein forms A337fs.
Identifiers: ClinVar variation 1070673 (VCV001070673.8), dbSNP rs2145712063, ClinGen allele CA2499225811.

ClinVar aggregate classification (germline): Pathogenic (1 of 4 stars; one submission).

Conditions:
Early-infantile DEE. Also called: Ohtahara syndrome; Early infantile epileptic encephalopathy with suppression bursts; Early infantile epileptic encephalopathy. Identifiers: Orphanet 1934, MedGen C0393706, MONDO:0800491.

Submission:

Labcorp Genetics (formerly Invitae), Labcorp
Classification: Pathogenic for Early-infantile DEE. Last evaluated: 2024-12-24. Review status: criteria provided, single submitter. Criteria: Invitae Variant Classification Sherloc (09022015). Collection method: clinical testing. Allele origin: germline.
Comment: This sequence change creates a premature translational stop signal (p.Ala337Glyfs*65) in the KCNQ2 gene. It is expected to result in an absent or disrupted protein product. Loss-of-function variants in KCNQ2 are known to be pathogenic (PMID: 14534157, 23692823, 27779742). This variant is not present in population databases (gnomAD no frequency). This variant has not been reported in the literature in individuals affected with KCNQ2-related conditions. ClinVar contains an entry for this variant (Variation ID: 1070673). For these reasons, this variant has been classified as Pathogenic.

Literature cited by the submitters: PubMed 14534157; PubMed 23692823; PubMed 27779742.